The following is an entry in ClinVar:

ClinVar aggregate classification (germline): Uncertain significance (1 of 4 stars; one submission).

gnomAD v4.1: 2 of 1,613,938 alleles (0.00012%); highest among the groups gnomAD compares: Non-Finnish European, 0.00017%; no homozygotes.

Submission:

GeneDx
Classification: Uncertain significance. Last evaluated: 2025-07-31. Review status: criteria provided, single submitter. Criteria: GeneDx Variant Classification Process June 2021. Collection method: clinical testing. Allele origin: germline. Affected: yes.
Comment: Not observed at significant frequency in large population cohorts (gnomAD); In silico analysis supports that this missense variant has a deleterious effect on protein structure/function; Has not been previously published as pathogenic or benign to our knowledge

NM_001161352.2(KCNMA1):c.2766G>A (p.Met922Ile)

Genes: KCNMA1 (potassium calcium-activated channel subfamily M alpha 1; minus strand), KCNMA1-AS1 (KCNMA1 antisense RNA 1; plus strand). Cytogenetic location: 10q22.3.
Variant type: single nucleotide variant.
Coding change: c.2766G>A on transcript NM_001161352.2 (MANE Select); coding-DNA position 2766, G replaced by A.
Protein change: p.Met922Ile; replaces methionine 922 with isoleucine.
Molecular consequence: missense variant.
Genome position (GRCh38, 1-based): chr10:76,944,909, C>T on the plus strand (G>A on the coding strand, the complement: KCNMA1 is on the minus strand). VCF-style: chr10-76944909-C-T. GRCh37 (hg19) VCF-style: chr10-78704667-C-T.
Other names: c.2604G>A, p.Met868Ile (NM_001014797.3, NM_001322835.2, NM_001322837.2); c.2715G>A, p.Met905Ile (NM_001161353.2); c.2442G>A, p.Met814Ile (NM_001271518.2); c.2601G>A, p.Met867Ile (NM_001271519.2, NM_001322829.2, NM_001322836.2); c.2613G>A, p.Met871Ile (NM_001322830.2); c.2592G>A, p.Met864Ile (NM_001322832.2, NM_001410940.1, NM_002247.4); c.2139G>A, p.Met713Ile (NM_001322838.2); c.2724G>A, p.Met908Ile (NM_001437422.1); and 1 more; short protein forms M713I, M814I, M864I, M867I, M868I, M871I, M893I, M905I.
Identifiers: ClinVar variation 4690187 (VCV004690187.1).
Genomic context (GRCh38, chr10:76,944,909, plus strand): 5'-TTCCTTGTCCTGCAGCGAAGTATCATCAATATTATTCTGATTGGCTGACAGGATAACGCA[C>T]ATGTCACAGAGGTTGATGTTGACAGCCCTTAAATCAGCCCGACTTAATGGCGTACCCTTT-3'
Protein context (NP_001154824.1, residues 912-932): LRAVNINLCD[Met922Ile]CVILSANQNN